The following is an entry in ClinVar:

NM_006204.4(PDE6C):c.1738del (p.Thr580fs)

Gene: PDE6C (phosphodiesterase 6C; plus strand). Cytogenetic location: 10q23.33.
Variant type: Deletion.
Coding change: c.1738del on transcript NM_006204.4 (MANE Select); coding-DNA position 1738, one base deleted (A; older notation c.1738delA).
Protein change: p.Thr580fs; shifts the reading frame from threonine 580.
Molecular consequence: frameshift variant.
Genome position (GRCh38, 1-based): chr10:93,640,920, A deleted. VCF-style (leftmost placement, unchanged base first): chr10-93640919-GA-G. GRCh37 (hg19) VCF-style: chr10-95400676-GA-G.
Other names: c.1738delA (NM_006204.3); short protein forms T580fs.
Identifiers: ClinVar variation 3676062 (VCV003676062.3).

ClinVar aggregate classification (germline): Pathogenic/Likely pathogenic. Review status: criteria provided, multiple submitters, no conflicts (2 of 4 stars). 2 submissions from 2 submitters: Pathogenic (1); Likely pathogenic (1). Last evaluated 2026-05-15.

Conditions:
PDE6C-related disorder. Also called: PDE6C-related condition.

Submissions (2):

PreventionGenetics, part of Exact Sciences
Classification: Likely pathogenic for PDE6C-related condition. Last evaluated: 2026-05-15. Review status: criteria provided, single submitter. Criteria: ACMG Guidelines, 2015. Collection method: clinical testing. Allele origin: germline.
Comment: The PDE6C c.1738delA variant is predicted to result in a frameshift and premature protein termination (p.Thr580Glnfs*4). To our knowledge, this variant has not been reported in the literature. This variant is absent in a large population database (gnomAD), indicating this variant is rare. Frameshift variants in PDE6C are an established mechanism of disease. This variant is interpreted as likely pathogenic.

Labcorp Genetics (formerly Invitae), Labcorp
Classification: Pathogenic. Last evaluated: 2024-06-29. Review status: criteria provided, single submitter. Criteria: Invitae Variant Classification Sherloc (09022015). Collection method: clinical testing. Allele origin: germline.
Comment: This sequence change creates a premature translational stop signal (p.Thr580Glnfs*4) in the PDE6C gene. It is expected to result in an absent or disrupted protein product. Loss-of-function variants in PDE6C are known to be pathogenic (PMID: 19887631, 23776498, 26103963, 30080950). This variant is not present in population databases (gnomAD no frequency). This variant has not been reported in the literature in individuals affected with PDE6C-related conditions. Algorithms developed to predict the effect of sequence changes on RNA splicing suggest that this variant may disrupt the consensus splice site. For these reasons, this variant has been classified as Pathogenic.

Literature cited by the submitters: PubMed 19887631 (cited by Labcorp Genetics (formerly Invitae), Labcorp); PubMed 23776498 (cited by Labcorp Genetics (formerly Invitae), Labcorp); PubMed 26103963 (cited by Labcorp Genetics (formerly Invitae), Labcorp); PubMed 30080950 (cited by Labcorp Genetics (formerly Invitae), Labcorp).